The following is an entry in ClinVar:

NM_001134407.3(GRIN2A):c.2606G>C (p.Ser869Thr)

Gene: GRIN2A (glutamate ionotropic receptor NMDA type subunit 2A; minus strand). Cytogenetic location: 16p13.2.
Variant type: single nucleotide variant.
Coding change: c.2606G>C on transcript NM_001134407.3 (MANE Select); coding-DNA position 2606, G replaced by C.
Protein change: p.Ser869Thr; replaces serine 869 with threonine.
Molecular consequence: missense variant.
Genome position (GRCh38, 1-based): chr16:9,764,938, C>G on the plus strand (G>C on the coding strand, the complement: GRIN2A is on the minus strand). VCF-style: chr16-9764938-C-G. GRCh37 (hg19) VCF-style: chr16-9858795-C-G.
Other names: c.2606G>C, p.Ser869Thr (NM_000833.5, NM_001134408.2); short protein forms S869T.
Identifiers: ClinVar variation 2006457 (VCV002006457.4), dbSNP rs867959101, ClinGen allele CA394709756.

ClinVar aggregate classification (germline): Uncertain significance (1 of 4 stars; one submission).

Conditions:
Landau-Kleffner syndrome (FESD). Also called: EPILEPSY, FOCAL, WITH SPEECH DISORDER AND WITH OR WITHOUT MENTAL RETARDATION; APHASIA, ACQUIRED, WITH EPILEPSY. Identifiers: Orphanet 1945, Orphanet 725, Orphanet 98818, MedGen C0282512, MONDO:0009509, OMIM 245570.

Submission:

Labcorp Genetics (formerly Invitae), Labcorp
Classification: Uncertain significance for Landau-Kleffner syndrome. Last evaluated: 2024-10-30. Review status: criteria provided, single submitter. Criteria: Invitae Variant Classification Sherloc (09022015). Collection method: clinical testing. Allele origin: germline.
Comment: This sequence change replaces serine, which is neutral and polar, with threonine, which is neutral and polar, at codon 869 of the GRIN2A protein (p.Ser869Thr). This variant is not present in population databases (gnomAD no frequency). This variant has not been reported in the literature in individuals affected with GRIN2A-related conditions. This missense change has been observed in at least one individual who was not affected with GRIN2A-related conditions (internal data). ClinVar contains an entry for this variant (Variation ID: 2006457). Invitae Evidence Modeling of protein sequence and biophysical properties (such as structural, functional, and spatial information, amino acid conservation, physicochemical variation, residue mobility, and thermodynamic stability) indicates that this missense variant is expected to disrupt GRIN2A protein function with a positive predictive value of 95%. In summary, the available evidence is currently insufficient to determine the role of this variant in disease. Therefore, it has been classified as a Variant of Uncertain Significance.